The following is an entry in ClinVar:

ClinVar aggregate classification (germline): Uncertain significance. Review status: criteria provided, multiple submitters, no conflicts (2 of 4 stars). 2 submissions from 2 submitters: Uncertain significance (2). Last evaluated 2025-04-26.

Conditions:
Left ventricular noncompaction 1 (LVNC1). Also called: LEFT VENTRICULAR NONCOMPACTION 1 WITH OR WITHOUT CONGENITAL HEART DEFECTS. Identifiers: Orphanet 54260, MedGen C1858725, MONDO:0011403, OMIM 604169.

Allele frequency attached by ClinVar (database versions not stated): gnomAD 0.00001; ExAC 0.00002; gnomAD exomes 0.00002; TOPMed 0.00003; ESP Exome Variant Server 0.00008.

Submissions (2):

Labcorp Genetics (formerly Invitae), Labcorp
Classification: Uncertain significance for Left ventricular noncompaction 1. Last evaluated: 2025-04-26. Review status: criteria provided, single submitter. Criteria: Invitae Variant Classification Sherloc (09022015). Collection method: clinical testing. Allele origin: germline.
Comment: This sequence change replaces aspartic acid, which is acidic and polar, with asparagine, which is neutral and polar, at codon 347 of the DTNA protein (p.Asp347Asn). This variant is present in population databases (rs374347283, gnomAD 0.007%). This variant has not been reported in the literature in individuals affected with DTNA-related conditions. ClinVar contains an entry for this variant (Variation ID: 431855). Invitae Evidence Modeling of protein sequence and biophysical properties (such as structural, functional, and spatial information, amino acid conservation, physicochemical variation, residue mobility, and thermodynamic stability) indicates that this missense variant is not expected to disrupt DTNA protein function with a negative predictive value of 80%. In summary, the available evidence is currently insufficient to determine the role of this variant in disease. Therefore, it has been classified as a Variant of Uncertain Significance.

GeneDx
Classification: Uncertain significance. Last evaluated: 2019-11-19. Review status: criteria provided, single submitter. Criteria: GeneDx Variant Classification Process June 2021. Collection method: clinical testing. Allele origin: germline. Affected: yes.
Comment: Not observed at a significant frequency in large population cohorts (Lek et al., 2016); In silico analysis, which includes protein predictors and evolutionary conservation, supports a deleterious effect; Has not been previously published as pathogenic or benign to our knowledge

NM_001386795.1(DTNA):c.1030G>A (p.Asp344Asn)

Gene: DTNA (dystrobrevin alpha; plus strand). Cytogenetic location: 18q12.1.
Variant type: single nucleotide variant.
Coding change: c.1030G>A on transcript NM_001386795.1 (MANE Select); coding-DNA position 1030, G replaced by A.
Protein change: p.Asp344Asn; replaces aspartic acid 344 with asparagine.
Molecular consequence: missense variant. On other transcripts: intron variant (1).
Genome position (GRCh38, 1-based): chr18:34,827,621, G>A. VCF-style: chr18-34827621-G-A. GRCh37 (hg19) VCF-style: chr18-32407585-G-A.
Other names: c.1030G>A, p.Asp344Asn (NM_001128175.2, NM_001198938.2, NM_001386757.1 and 26 more transcripts); c.1039G>A, p.Asp347Asn (NM_001386761.1, NM_001386762.1, NM_001390.5 and 5 more transcripts); c.76G>A, p.Asp26Asn (NM_032980.4, NM_032981.5, NM_001198942.1 and 1 more transcripts); c.603+15508G>A (NM_001198945.2); c.280G>A, p.Asp94Asn (NM_001198943.1); short protein forms D344N, D347N, D26N, D94N.
Identifiers: ClinVar variation 431855 (VCV000431855.10), dbSNP rs374347283, ClinGen allele CA8935565.